The following is an entry in ClinVar:

ClinVar aggregate classification (germline): Conflicting classifications of pathogenicity. Review status: criteria provided, conflicting classifications (1 of 4 stars). 6 submissions from 6 submitters: Pathogenic (5); Benign (1). Last evaluated 2025-09-22.

Conditions:
History of neurodevelopmental disorder. Identifiers: MedGen C2711754.
Developmental and epileptic encephalopathy 94 (DEE94). Also called: Epileptic encephalopathy, childhood-onset; CHD2-Related Neurodevelopmental Disorders. Identifiers: Orphanet 1942, Orphanet 2382, MedGen C3809278, MONDO:0014150, OMIM 615369.

Submissions (6):

GeneDx
Classification: Pathogenic. Last evaluated: 2025-09-22. Review status: criteria provided, single submitter. Criteria: GeneDx Variant Classification Process June 2021. Collection method: clinical testing. Allele origin: germline. Affected: yes.
Comment: Reported previously in association with autism (PMID: 22865819); Frameshift variant predicted to result in protein truncation or nonsense mediated decay in a gene for which loss of function is a known mechanism of disease; Not observed at significant frequency in large population cohorts (gnomAD); This variant is associated with the following publications: (PMID: 40934838, 39503459, 38958063, 25783594, 22865819)

Labcorp Genetics (formerly Invitae), Labcorp
Classification: Pathogenic for Developmental and epileptic encephalopathy 94. Last evaluated: 2025-01-17. Review status: criteria provided, single submitter. Criteria: Invitae Variant Classification Sherloc (09022015). Collection method: clinical testing. Allele origin: germline.
Comment: This sequence change creates a premature translational stop signal (p.Lys1245Asnfs*4) in the CHD2 gene. It is expected to result in an absent or disrupted protein product. Loss-of-function variants in CHD2 are known to be pathogenic (PMID: 23708187, 24207121). The frequency data for this variant in the population databases is considered unreliable, as metrics indicate poor data quality at this position in the gnomAD database. This premature translational stop signal has been observed in individual(s) with clinical features of CHD2-related conditions (PMID: 25783594). ClinVar contains an entry for this variant (Variation ID: 425077). For these reasons, this variant has been classified as Pathogenic.

3billion
Classification: Pathogenic for Developmental and epileptic encephalopathy 94. Last evaluated: 2024-12-18. Review status: criteria provided, single submitter. Criteria: ACMG Guidelines, 2015. Collection method: clinical testing. Allele origin: germline. Affected: yes.
Comment: The variant is observed at a low frequency in the gnomAD v4.1.0 dataset (total allele frequency: 0.007%). The frequency data for this variant in the population databases is considered unreliable, as it was found in a low complexity region. Predicted Consequence/Location: Frameshift: predicted to result in a loss or disruption of normal protein function through nonsense-mediated decay (NMD) or protein truncation. Multiple pathogenic variants are reported downstream of the variant. The variant has been reported at least twice as pathogenic with clinical assertions and evidence for the classification (ClinVar ID: ﻿﻿VCV000425077.38﻿﻿). Therefore, this variant is classified as Pathogenic according to the recommendation of ACMG/AMP guideline.

CeGaT Center for Human Genetics Tuebingen
Classification: Benign. Last evaluated: 2023-08-01. Review status: criteria provided, single submitter. Criteria: CeGaT Center For Human Genetics Tuebingen Variant Classification Criteria Version 2. Collection method: clinical testing. Allele origin: germline. Affected: yes. Observed: 2 variant alleles.
Comment: CHD2: BS1, BS2

Laboratoire de Génétique Moléculaire, CHU Bordeaux
Classification: Pathogenic for Developmental and epileptic encephalopathy 94. Last evaluated: 2022-06-27. Review status: criteria provided, single submitter. Criteria: ACMG Guidelines, 2015. Collection method: clinical testing. Allele origin: germline. Affected: yes.

Ambry Genetics
Classification: Pathogenic for History of neurodevelopmental disorder. Last evaluated: 2020-10-08. Review status: criteria provided, single submitter. Criteria: Ambry Autosomal Dominant and X-Linked criteria (7/2020). Collection method: clinical testing. Allele origin: germline. Observed: 1 variant allele.
Comment: The c.3734delA pathogenic mutation, located in coding exon 28 of the CHD2 gene, results from a deletion of one nucleotide at nucleotide position 3734, causing a translational frameshift with a predicted alternate stop codon (p.K1245Nfs*4). This alteration is expected to result in loss of function by premature protein truncation or nonsense-mediated mRNA decay. As such, this alteration is interpreted as a disease-causing mutation.

Literature cited by the submitters: PubMed 23708187 (cited by Labcorp Genetics (formerly Invitae), Labcorp); PubMed 24207121 (cited by Labcorp Genetics (formerly Invitae), Labcorp); PubMed 25783594 (cited by Labcorp Genetics (formerly Invitae), Labcorp); PubMed 31677157 (cited by 3billion).

NM_001271.4(CHD2):c.3735del (p.Lys1245fs)

Gene: CHD2 (chromodomain helicase DNA binding protein 2; plus strand). Cytogenetic location: 15q26.1.
Variant type: Deletion.
Coding change: c.3735del on transcript NM_001271.4 (MANE Select); coding-DNA position 3735, one base deleted (A; older notation c.3735delA).
Protein change: p.Lys1245fs; shifts the reading frame from lysine 1245.
Molecular consequence: frameshift variant.
Genome position (GRCh38, 1-based): chr15:92,997,095, A deleted; the last of 10 consecutive A bases (chr15:92,997,086-92,997,095); deleting any one gives the same sequence. VCF-style (leftmost placement, unchanged base first): chr15-92997085-GA-G. GRCh37 (hg19) VCF-style: chr15-93540315-GA-G.
Other names: c.3734del (NM_001271.4, NM_001271.3); short protein forms K1245fs.
Identifiers: ClinVar variation 425077 (VCV000425077.55), dbSNP rs752940775, ClinGen allele CA7748287.